The following is an entry in ClinVar:

ClinVar aggregate classification (germline): Benign/Likely benign. Review status: criteria provided, multiple submitters, no conflicts (2 of 4 stars). 10 submissions from 10 submitters: Benign (5); Likely benign (3). 2 of the submissions do not count toward it. Last evaluated 2026-09-01.

Conditions:
JAK2-related disorder. Also called: JAK2-related condition.
Acute myeloid leukemia (AML). Also called: Acute myeloid leukemia, adult; AML adult; Acute non-lymphocytic leukemia; Acute granulocytic leukemia; Leukemia, acute myeloid, somatic; Leukemia, acute myelogenous, somatic. Identifiers: Orphanet 519, MedGen C0023467, MeSH D015470, MONDO:0018874, OMIM 601626, HP:0004808. Disease mechanism: Constitutively activated FLT3.
Primary familial polycythemia due to EPO receptor mutation. Also called: Erythrocytosis, familial, 1; POLYCYTHEMIA, PRIMARY FAMILIAL AND CONGENITAL; ERYTHROCYTOSIS, SOMATIC; Primary Familial Congenital Polycythemia. Identifiers: Orphanet 90042, MedGen C4551637, MONDO:0007572, OMIM 133100.
Primary myelofibrosis. Also called: Myelofibrosis, somatic. Identifiers: Orphanet 824, MedGen C0001815, MeSH D055728, MONDO:0009692, OMIM 254450.
Budd-Chiari syndrome (BDCHS). Also called: Hepatic vein obstruction. Identifiers: Orphanet 131, MedGen C0856761, MONDO:0010947, OMIM 600880, HP:0002639.
Thrombocythemia 3 (THCYT3). Also called: THROMBOCYTOSIS 3; THROMBOCYTHEMIA 3, SOMATIC. Identifiers: MedGen C3281125, MONDO:0013794, OMIM 614521.
Acquired polycythemia vera. Also called: Suspected polycythemia vera; Polycythemia vera, somatic; POLYCYTHEMIA RUBRA VERA. Identifiers: Orphanet 729, MedGen C0032463, MeSH D011087, MONDO:0009891, OMIM 263300.

Allele frequency attached by ClinVar (database versions not stated): ESP Exome Variant Server 0.00431; gnomAD exomes 0.00437 and 0.00547; ExAC 0.00438; gnomAD 0.00488 and 0.00500; 1000 Genomes Project 0.00180; 1000 Genomes Project 30x 0.00203; TOPMed 0.00382.
gnomAD v4.1: 8,630 of 1,600,698 alleles (0.54%); highest among the groups gnomAD compares: Non-Finnish European, 0.61%; 46 homozygotes.

Submissions (10):

CeGaT Center for Human Genetics Tuebingen
Classification: Likely benign. Last evaluated: 2026-09-01. Review status: criteria provided, single submitter. Criteria: CeGaT Center For Human Genetics Tuebingen Variant Classification Criteria Version 2. Collection method: clinical testing. Allele origin: germline. Affected: yes. Observed: 23 variant alleles.
Comment: JAK2: BS2

Labcorp Genetics (formerly Invitae), Labcorp
Classification: Benign. Last evaluated: 2026-02-01. Review status: criteria provided, single submitter. Criteria: Invitae Variant Classification Sherloc (09022015). Collection method: clinical testing. Allele origin: germline.

Mayo Clinic Laboratories, Mayo Clinic
Classification: Likely benign. Last evaluated: 2025-07-29. Review status: criteria provided, single submitter. Criteria: ACMG Guidelines, 2015. Collection method: clinical testing. Allele origin: germline. Observed: 1 variant allele.
Comment: BS2, BP4

ARUP Laboratories, Molecular Genetics and Genomics, ARUP Laboratories
Classification: Likely benign. Last evaluated: 2023-03-06. Review status: criteria provided, single submitter. Criteria: ARUP Molecular Germline Variant Investigation Process 2024. Collection method: clinical testing. Allele origin: germline.

Fulgent Genetics
Classification: Benign for Primary familial polycythemia due to EPO receptor mutation; Primary myelofibrosis; Acquired polycythemia vera; Budd-Chiari syndrome; Acute myeloid leukemia; Thrombocythemia 3. Last evaluated: 2022-04-22. Review status: criteria provided, single submitter. Criteria: ACMG Guidelines, 2015. Collection method: clinical testing. Allele origin: unknown.

Genetic Services Laboratory, University of Chicago
Classification: Benign. Last evaluated: 2021-05-18. Review status: criteria provided, single submitter. Criteria: ACMG Guidelines, 2015. Collection method: clinical testing. Allele origin: germline. Affected: no.

GeneDx
Classification: Benign. Last evaluated: 2020-01-29. Review status: criteria provided, single submitter. Criteria: GeneDx Variant Classification Process June 2021. Collection method: clinical testing. Allele origin: germline. Affected: yes.
Comment: This variant is associated with the following publications: (PMID: 32172663, 30377194, 27389715, 23670291, 31135094, 19643476, 29296762)

Breakthrough Genomics
Classification: Benign. Review status: criteria provided, single submitter. Criteria: ACMG Guidelines, 2015. Collection method: not provided. Allele origin: germline. Inheritance: Autosomal dominant inheritance. Affected: yes.

PreventionGenetics, part of Exact Sciences
Classification: Likely benign for JAK2-related condition. Last evaluated: 2021-10-06. Review status: no assertion criteria provided. Collection method: clinical testing. Allele origin: germline. Not counted in ClinVar's aggregate classification.
Comment: This variant is classified as likely benign based on ACMG/AMP sequence variant interpretation guidelines (Richards et al. 2015 PMID: 25741868, with internal and published modifications).

ITMI
No classification provided. Condition: AllHighlyPenetrant. Last evaluated: 2013-09-19. Review status: no classification provided. Collection method: reference population. Allele origin: germline. Not counted in ClinVar's aggregate classification.
Comment: Please see associated publication for description of ethnicities

Literature cited by the submitters: PubMed 27389715 (cited by Mayo Clinic Laboratories, Mayo Clinic); PubMed 32172663 (cited by Mayo Clinic Laboratories, Mayo Clinic); PubMed 24728327 (cited by ITMI).

NM_004972.4(JAK2):c.3188G>A (p.Arg1063His)

Genes: INSL6 (insulin like 6; minus strand), JAK2 (Janus kinase 2; plus strand). Cytogenetic location: 9p24.1.
Variant type: single nucleotide variant.
Coding change: c.3188G>A on transcript NM_004972.4 (MANE Select); coding-DNA position 3188, G replaced by A.
Protein change: p.Arg1063His; replaces arginine 1063 with histidine.
Molecular consequence: missense variant. On other transcripts: non-coding transcript variant (2).
Genome position (GRCh38, 1-based): chr9:5,126,343, G>A. VCF-style: chr9-5126343-G-A. GRCh37 (hg19) VCF-style: chr9-5126343-G-A.
Other names: c.3188G>A, p.Arg1063His (NM_001322194.2, NM_001322195.2, NM_001322196.2); c.1973G>A, p.Arg658His (NM_001322198.2, NM_001322199.2); c.2741G>A, p.Arg914His (NM_001322204.2); short protein forms R1063H, R658H, R914H.
Identifiers: ClinVar variation 134555 (VCV000134555.43), dbSNP rs41316003, ClinGen allele CA160171.